The following is an entry in ClinVar:

ClinVar aggregate classification (germline): Uncertain significance (1 of 4 stars; one submission).

Conditions:
ABCB4-related disorder. Also called: ABCB4-related disorders; ABCB4-related condition.

Submission:

PreventionGenetics, part of Exact Sciences
Classification: Uncertain significance for ABCB4-related condition. Last evaluated: 2026-02-26. Review status: criteria provided, single submitter. Criteria: ACMG Guidelines, 2015. Collection method: clinical testing. Allele origin: germline.
Comment: The ABCB4 c.2558G>T variant is predicted to result in the amino acid substitution p.Gly853Val. To our knowledge, this variant has not been reported in the literature or in a large population database (gnomAD), indicating this variant is rare. At this time, the clinical significance of this variant is uncertain due to the absence of conclusive functional and genetic evidence.

NM_000443.4(ABCB4):c.2558G>T (p.Gly853Val)

Gene: ABCB4 (ATP binding cassette subfamily B member 4; minus strand). Cytogenetic location: 7q21.12.
Variant type: single nucleotide variant.
Coding change: c.2558G>T on transcript NM_000443.4 (MANE Select); coding-DNA position 2558, G replaced by T.
Protein change: p.Gly853Val; replaces glycine 853 with valine.
Molecular consequence: missense variant.
Genome position (GRCh38, 1-based): chr7:87,417,436, C>A on the plus strand (G>T on the coding strand, the complement: ABCB4 is on the minus strand). VCF-style: chr7-87417436-C-A. GRCh37 (hg19) VCF-style: chr7-87046752-C-A.
Other names: c.2558G>T, p.Gly853Val (NM_018849.3, NM_018850.3); short protein forms G853V.
Identifiers: ClinVar variation 4992618 (VCV004992618.1).